The following is an entry in ClinVar:

NM_001385012.1(NBEA):c.5782G>A (p.Val1928Ile)

Gene: NBEA (neurobeachin; plus strand). Cytogenetic location: 13q13.3.
Variant type: single nucleotide variant.
Coding change: c.5782G>A on transcript NM_001385012.1 (MANE Select); coding-DNA position 5782, G replaced by A.
Protein change: p.Val1928Ile; replaces valine 1928 with isoleucine.
Molecular consequence: missense variant.
Genome position (GRCh38, 1-based): chr13:35,290,394, G>A. VCF-style: chr13-35290394-G-A. GRCh37 (hg19) VCF-style: chr13-35864531-G-A.
Other names: c.5773G>A, p.Val1925Ile (NM_001379245.1); c.5782G>A, p.Val1928Ile (NM_015678.5); short protein forms V1928I, V1925I.
Identifiers: ClinVar variation 2259472 (VCV002259472.3), dbSNP rs2549268527, ClinGen allele CA387976059.

ClinVar aggregate classification (germline): Conflicting classifications of pathogenicity. Review status: criteria provided, conflicting classifications (1 of 4 stars). 2 submissions from 2 submitters: Uncertain significance (1); Likely benign (1). Last evaluated 2024-09-20.

Conditions:
Inborn genetic diseases. Identifiers: MedGen C0950123, MeSH D030342.
Neurodevelopmental disorder with or without early-onset generalized epilepsy. Identifiers: MedGen C5436914, MONDO:0030930, OMIM 619157.

Submissions (2):

3billion
Classification: Likely benign for Neurodevelopmental disorder with or without early-onset generalized epilepsy. Last evaluated: 2024-09-20. Review status: criteria provided, single submitter. Criteria: ACMG Guidelines, 2015. Collection method: clinical testing. Allele origin: germline. Affected: no.
Comment: The variant was identified in at least one patient who was diagnosed with a different variant in another gene and showed no symptoms related to the gene containing the variant in question.

Ambry Genetics
Classification: Uncertain significance for Inborn genetic diseases. Last evaluated: 2021-11-09. Review status: criteria provided, single submitter. Criteria: Ambry Variant Classification Scheme 2023. Collection method: clinical testing. Allele origin: germline.